The following is an entry in ClinVar:

ClinVar aggregate classification (germline): Likely pathogenic. Review status: criteria provided, single submitter (1 of 4 stars). 2 submissions from 2 submitters: Likely pathogenic (1). 1 of the submissions does not count toward it. Last evaluated 2026-03-30.

Conditions:
Sorsby fundus dystrophy (SFD). Also called: FUNDUS DYSTROPHY, PSEUDOINFLAMMATORY, OF SORSBY; MACULAR DYSTROPHY, HEMORRHAGIC; Sorsby fundus dystrophy, Lavia type. Identifiers: Orphanet 59181, MedGen C1850938, MONDO:0007640, OMIM 136900.

Submissions (2):

CGPP - Center for Predictive and Preventive Genetics, IBMC - Institute for Cell and Molecular Biology
Classification: Likely pathogenic for Sorsby fundus dystrophy. Last evaluated: 2026-03-30. Review status: criteria provided, single submitter. Criteria: ACMG Guidelines, 2015. Collection method: clinical testing. Allele origin: germline. Affected: yes.
Comment: This sequence change replaces glycine, which is neutral and non-polar, with cysteine, which is neutral and polar, at codon 189 of the TIMP3 protein (p.Gly189Cys). This missense change has been observed in individuals with Sorsby fundus dystrophy (PMID: 8981947). This variant is not present in population databases (gnomAD no frequency). Based on the ACMG/AMP criteria, the available evidence supports a classification of likely pathogenic (Criteria: PP3, PM2, PP1, PS3, PS4).

OMIM
Classification: Pathogenic for SORSBY FUNDUS DYSTROPHY. Last evaluated: 1997-01-01. Review status: no assertion criteria provided. Collection method: literature only. Allele origin: germline. Not counted in ClinVar's aggregate classification.

Literature cited by the submitters: PubMed 8981947 (cited by CGPP - Center for Predictive and Preventive Genetics, IBMC - Institute for Cell and Molecular Biology and OMIM); PubMed 7148944 (cited by OMIM).

NM_000362.5(TIMP3):c.565G>T (p.Gly189Cys)

Genes: SYN3 (synapsin III; minus strand), TIMP3 (TIMP metallopeptidase inhibitor 3; plus strand). Cytogenetic location: 22q12.3.
Variant type: single nucleotide variant.
Coding change: c.565G>T on transcript NM_000362.5 (MANE Select); coding-DNA position 565, G replaced by T.
Protein change: p.Gly189Cys; replaces glycine 189 with cysteine.
Molecular consequence: missense variant. On other transcripts: intron variant (7).
Genome position (GRCh38, 1-based): chr22:32,859,306, G>T. VCF-style: chr22-32859306-G-T. GRCh37 (hg19) VCF-style: chr22-33255293-G-T.
Other names: G166C; c.708+5609C>A (NM_001369909.1, NM_001135774.2, NM_001369910.1); c.711+5609C>A (NM_001369907.1, NM_003490.4, NM_001369908.1 and 1 more transcripts); short protein forms G189C.
Identifiers: ClinVar variation 12679 (VCV000012679.3), dbSNP rs137853301, ClinGen allele CA122622.